The following is an entry in ClinVar:

NM_024334.3(TMEM43):c.363G>A (p.Met121Ile)

Gene: TMEM43 (transmembrane protein 43; plus strand). Cytogenetic location: 3p25.1.
Variant type: single nucleotide variant.
Coding change: c.363G>A on transcript NM_024334.3 (MANE Select); coding-DNA position 363, G replaced by A.
Protein change: p.Met121Ile; replaces methionine 121 with isoleucine.
Molecular consequence: missense variant.
Genome position (GRCh38, 1-based): chr3:14,131,645, G>A. VCF-style: chr3-14131645-G-A. GRCh37 (hg19) VCF-style: chr3-14173145-G-A.
Other names: short protein forms M121I.
Identifiers: ClinVar variation 1022649 (VCV001022649.7), dbSNP rs1695097590, ClinGen allele CA351534888.
Genomic context (GRCh38, chr3:14,131,645, plus strand): 5'-GTCTGATCCAAACTATGGGGTCCATCTTCCGGCTGTGAAACTGCGGAGGCACGTGGAGAT[G>A]TACCAATGGGTAGAAACTGAGGAGTCCAGGTGAGCTGTTGGGGTGAAAACTCTGTTGGGG-3'
Protein context (NP_077310.1, residues 111-131): PAVKLRRHVE[Met121Ile]YQWVETEESR

ClinVar aggregate classification (germline): Uncertain significance. Review status: criteria provided, multiple submitters, no conflicts (2 of 4 stars). 2 submissions from 2 submitters: Uncertain significance (2). Last evaluated 2025-08-30.

Conditions:
Arrhythmogenic right ventricular dysplasia 5. Also called: ARRHYTHMOGENIC RIGHT VENTRICULAR DYSPLASIA, FAMILIAL, 5; Arrhythmogenic Right Ventricular Dysplasia/Cardiomyopathy 5. Identifiers: MedGen C1858379, MONDO:0011459, OMIM 604400.
Cardiomyopathy (CMYO). Also called: Cardiomyopathies. Identifiers: Orphanet 167848, MedGen C0878544, MONDO:0004994, HP:0001638. Inheritance: Various modes of inheritance.

Submissions (2):

Color Diagnostics, LLC DBA Color Health
Classification: Uncertain significance for Cardiomyopathy. Last evaluated: 2025-08-30. Review status: criteria provided, single submitter. Criteria: ACMG Guidelines, 2015. Collection method: clinical testing. Allele origin: germline.
Comment: This missense variant replaces methionine with isoleucine at codon 121 of the TMEM43 protein. Computational prediction suggests that this variant may have deleterious impact on protein structure and function. To our knowledge, functional studies have not been reported for this variant. This variant has not been reported in individuals affected with TMEM43-related disorders in the literature. This variant has not been identified in the general population by the Genome Aggregation Database (gnomAD). The available evidence is insufficient to determine the role of this variant in disease conclusively. Therefore, this variant is classified as a Variant of Uncertain Significance.

Labcorp Genetics (formerly Invitae), Labcorp
Classification: Uncertain significance for Arrhythmogenic right ventricular dysplasia 5. Last evaluated: 2025-08-06. Review status: criteria provided, single submitter. Criteria: Invitae Variant Classification Sherloc (09022015). Collection method: clinical testing. Allele origin: germline.
Comment: This sequence change replaces methionine, which is neutral and non-polar, with isoleucine, which is neutral and non-polar, at codon 121 of the TMEM43 protein (p.Met121Ile). This variant is not present in population databases (gnomAD no frequency). This variant has not been reported in the literature in individuals affected with TMEM43-related conditions. ClinVar contains an entry for this variant (Variation ID: 1022649). Invitae Evidence Modeling of protein sequence and biophysical properties (such as structural, functional, and spatial information, amino acid conservation, physicochemical variation, residue mobility, and thermodynamic stability) has been performed for this missense variant. However, the output from this modeling did not meet the statistical confidence thresholds required to predict the impact of this variant on TMEM43 protein function. In summary, the available evidence is currently insufficient to determine the role of this variant in disease. Therefore, it has been classified as a Variant of Uncertain Significance.